The following is an entry in ClinVar:

NM_005751.5(AKAP9):c.17G>A (p.Arg6Lys)

Genes: AKAP9 (A-kinase anchoring protein 9; plus strand), LOC129998788 (ATAC-STARR-seq lymphoblastoid active region 26256; plus strand). Cytogenetic location: 7q21.2.
Variant type: single nucleotide variant.
Coding change: c.17G>A on transcript NM_005751.5 (MANE Select); coding-DNA position 17, G replaced by A.
Protein change: p.Arg6Lys; replaces arginine 6 with lysine.
Molecular consequence: missense variant.
Genome position (GRCh38, 1-based): chr7:91,941,116, G>A. VCF-style: chr7-91941116-G-A. GRCh37 (hg19) VCF-style: chr7-91570430-G-A.
Other names: c.17G>A, p.Arg6Lys (NM_147185.3); short protein forms R6K.
Identifiers: ClinVar variation 1780369 (VCV001780369.7), dbSNP rs2484477626, ClinGen allele CA368119088.
Genomic context (GRCh38, chr7:91,941,116, plus strand): 5'-CCACCCCTCAACCCCTGTTTTCCCCTGCCTTCCTTGCAGAGGCCATGGAGGACGAGGAGA[G>A]ACAGAAGAAGCTGGAGGCCGGCAAAGCCAAGGTAGGAGAGCCCGAGGCAACCGGGCCTGC-3'
Protein context (NP_005742.4, residues 1-16): MEDEE[Arg6Lys]QKKLEAGKAK

ClinVar aggregate classification (germline): Uncertain significance. Review status: criteria provided, multiple submitters, no conflicts (2 of 4 stars). 2 submissions from 2 submitters: Uncertain significance (2). Last evaluated 2024-09-30.

Conditions:
Long QT syndrome (LQTS). Identifiers: MedGen C0023976, MeSH D008133, MONDO:0002442. Disease mechanism: loss of function. Inheritance: Various modes of inheritance.
Cardiovascular phenotype. Identifiers: MedGen CN230736.

Allele frequency attached by ClinVar (database versions not stated): gnomAD exomes below 0.00001.
gnomAD v4.1: 2 of 1,614,118 alleles (0.00012%); highest among the groups gnomAD compares: South Asian, 0.0011%; no homozygotes.

Submissions (2):

Labcorp Genetics (formerly Invitae), Labcorp
Classification: Uncertain significance for Long QT syndrome. Last evaluated: 2024-09-30. Review status: criteria provided, single submitter. Criteria: Invitae Variant Classification Sherloc (09022015). Collection method: clinical testing. Allele origin: germline.
Comment: This sequence change replaces arginine, which is basic and polar, with lysine, which is basic and polar, at codon 6 of the AKAP9 protein (p.Arg6Lys). This variant is not present in population databases (gnomAD no frequency). This variant has not been reported in the literature in individuals affected with AKAP9-related conditions. ClinVar contains an entry for this variant (Variation ID: 1780369). An algorithm developed to predict the effect of missense changes on protein structure and function (PolyPhen-2) suggests that this variant is likely to be disruptive. In summary, the available evidence is currently insufficient to determine the role of this variant in disease. Therefore, it has been classified as a Variant of Uncertain Significance.

Ambry Genetics
Classification: Uncertain significance for Cardiovascular phenotype. Last evaluated: 2021-02-05. Review status: criteria provided, single submitter. Criteria: Ambry Variant Classification Scheme 2023. Collection method: clinical testing. Allele origin: germline.
Comment: The p.R6K variant (also known as c.17G>A), located in coding exon 1 of the AKAP9 gene, results from a G to A substitution at nucleotide position 17. The arginine at codon 6 is replaced by lysine, an amino acid with highly similar properties. This amino acid position is highly conserved in available vertebrate species. In addition, the in silico prediction for this alteration is inconclusive. Since supporting evidence is limited at this time, the clinical significance of this alteration remains unclear.